The following is an entry in ClinVar:

NM_000170.3(GLDC):c.35T>C (p.Leu12Pro)

Gene: GLDC (glycine decarboxylase; minus strand). Cytogenetic location: 9p24.1.
Variant type: single nucleotide variant.
Coding change: c.35T>C on transcript NM_000170.3 (MANE Select); coding-DNA position 35, T replaced by C.
Protein change: p.Leu12Pro; replaces leucine 12 with proline.
Molecular consequence: missense variant.
Genome position (GRCh38, 1-based): chr9:6,645,465, A>G on the plus strand (T>C on the coding strand, the complement: GLDC is on the minus strand). VCF-style: chr9-6645465-A-G. GRCh37 (hg19) VCF-style: chr9-6645465-A-G.
Other names: short protein forms L12P.
Identifiers: ClinVar variation 1521054 (VCV001521054.5), dbSNP rs1819728347, ClinGen allele CA372887497.

ClinVar aggregate classification (germline): Uncertain significance (1 of 4 stars; one submission).

Conditions:
Glycine encephalopathy. Also called: Nonketotic hyperglycinemia; Non-ketotic hyperglycinemia. Identifiers: Orphanet 407, MedGen C0751748, MONDO:0011612, HP:0008288.

Allele frequency attached by ClinVar (database versions not stated): TOPMed below 0.00001.

Submission:

Labcorp Genetics (formerly Invitae), Labcorp
Classification: Uncertain significance for Glycine encephalopathy. Last evaluated: 2021-09-01. Review status: criteria provided, single submitter. Criteria: Invitae Variant Classification Sherloc (09022015). Collection method: clinical testing. Allele origin: germline.
Comment: This sequence change replaces leucine with proline at codon 12 of the GLDC protein (p.Leu12Pro). The leucine residue is moderately conserved and there is a moderate physicochemical difference between leucine and proline. The frequency data for this variant in the population databases is considered unreliable, as metrics indicate insufficient coverage at this position in the ExAC database. This variant has not been reported in the literature in individuals affected with GLDC-related conditions. Algorithms developed to predict the effect of missense changes on protein structure and function are either unavailable or do not agree on the potential impact of this missense change (SIFT: "Deleterious"; PolyPhen-2: "Possibly Damaging"; Align-GVGD: "Class C0"). In summary, the available evidence is currently insufficient to determine the role of this variant in disease. Therefore, it has been classified as a Variant of Uncertain Significance.